The following is an entry in ClinVar:

ClinVar aggregate classification (germline): Uncertain significance (1 of 4 stars; one submission).

gnomAD v4.1: 53 of 1,614,004 alleles (0.0033%); highest among the groups gnomAD compares: African/African-American, 0.021%; no homozygotes.

Submission:

GeneDx
Classification: Uncertain significance. Last evaluated: 2025-03-11. Review status: criteria provided, single submitter. Criteria: GeneDx Variant Classification Process June 2021. Collection method: clinical testing. Allele origin: germline. Affected: yes.
Comment: Not observed at significant frequency in large population cohorts (gnomAD); In silico analysis indicates that this missense variant does not alter protein structure/function; Has not been previously published as pathogenic or benign to our knowledge

NM_000123.4(ERCC5):c.1120G>A (p.Ala374Thr)

Genes: BIVM-ERCC5 (BIVM-ERCC5 readthrough; plus strand), ERCC5 (ERCC excision repair 5, endonuclease; plus strand). Cytogenetic location: 13q33.1.
Variant type: single nucleotide variant.
Coding change: c.1120G>A on transcript NM_000123.4 (MANE Select); coding-DNA position 1120, G replaced by A.
Protein change: p.Ala374Thr; replaces alanine 374 with threonine.
Molecular consequence: missense variant.
Genome position (GRCh38, 1-based): chr13:102,862,269, G>A. VCF-style: chr13-102862269-G-A. GRCh37 (hg19) VCF-style: chr13-103514619-G-A.
Other names: c.2482G>A, p.Ala828Thr (NM_001204425.2); short protein forms A374T, A828T.
Identifiers: ClinVar variation 4083139 (VCV004083139.1).